The following is an entry in ClinVar:

ClinVar aggregate classification (germline): Likely benign. Review status: criteria provided, multiple submitters, no conflicts (2 of 4 stars). 6 submissions from 6 submitters: Likely benign (6). Last evaluated 2026-01-20.

Conditions:
Hereditary cancer-predisposing syndrome. Also called: Tumor predisposition; Hereditary Cancer Syndrome; Neoplastic Syndromes, Hereditary; Hereditary neoplastic syndrome. Identifiers: Orphanet 140162, MedGen C0027672, MeSH D009386, MONDO:0015356.
Hereditary diffuse gastric adenocarcinoma (HDGC). Also called: DIFFUSE GASTRIC AND LOBULAR BREAST CANCER SYNDROME. Identifiers: Orphanet 26106, MedGen C1708349, MONDO:0007648, OMIM 137215.

Allele frequency attached by ClinVar (database versions not stated): ExAC 0.00002; gnomAD exomes 0.00002 and 0.00005; gnomAD 0.00003 and 0.00004; TOPMed 0.00003.
gnomAD v4.1: 76 of 1,608,518 alleles (0.0047%); highest among the groups gnomAD compares: Non-Finnish European, 0.0061%; no homozygotes.

Submissions (6):

Labcorp Genetics (formerly Invitae), Labcorp
Classification: Likely benign for Hereditary diffuse gastric adenocarcinoma. Last evaluated: 2026-01-20. Review status: criteria provided, single submitter. Criteria: Invitae Variant Classification Sherloc (09022015). Collection method: clinical testing. Allele origin: germline.

Women's Health and Genetics/Laboratory Corporation of America, LabCorp
Classification: Likely benign. Last evaluated: 2025-04-21. Review status: criteria provided, single submitter. Criteria: LabCorp Variant Classification Summary - May 2015. Collection method: clinical testing. Allele origin: germline.

Myriad Genetics, Inc.
Classification: Likely benign for Hereditary diffuse gastric adenocarcinoma. Last evaluated: 2024-09-20. Review status: criteria provided, single submitter. Criteria: Myriad Autosomal Dominant, Autosomal Recessive and X-Linked Classification Criteria (2023). Collection method: clinical testing. Allele origin: unknown.
Comment: This variant is considered likely benign. This variant is intronic and is not expected to impact mRNA splicing.

PreventionGenetics, part of Exact Sciences
Classification: Likely benign. Last evaluated: 2017-12-08. Review status: criteria provided, single submitter. Criteria: ACMG Guidelines, 2015. Collection method: clinical testing. Allele origin: germline.

GeneDx
Classification: Likely benign. Last evaluated: 2017-10-09. Review status: criteria provided, single submitter. Criteria: GeneDx Variant Classification (06012015). Collection method: clinical testing. Allele origin: germline. Affected: yes.
Comment: This variant is considered likely benign or benign based on one or more of the following criteria: it is a conservative change, it occurs at a poorly conserved position in the protein, it is predicted to be benign by multiple in silico algorithms, and/or has population frequency not consistent with disease.

Color Diagnostics, LLC DBA Color Health
Classification: Likely benign for Hereditary cancer-predisposing syndrome. Last evaluated: 2017-09-05. Review status: criteria provided, single submitter. Criteria: ACMG Guidelines, 2015. Collection method: clinical testing. Allele origin: germline.

NM_004360.5(CDH1):c.1936+8C>T

Gene: CDH1 (cadherin 1; plus strand). Cytogenetic location: 16q22.1.
Variant type: single nucleotide variant.
Coding change: c.1936+8C>T on transcript NM_004360.5 (MANE Select); 8 bases into the intron after coding-DNA position 1936, C replaced by T.
Molecular consequence: intron variant.
Genome position (GRCh38, 1-based): chr16:68,822,233, C>T. VCF-style: chr16-68822233-C-T. GRCh37 (hg19) VCF-style: chr16-68856136-C-T.
Other names: c.1936+8C>T (LRG_301t1); c.388+8C>T (NM_001317185.2); c.-30+8C>T (NM_001317186.2); c.1753+8C>T (NM_001317184.2).
Identifiers: ClinVar variation 215834 (VCV000215834.18), dbSNP rs776624068, ClinGen allele CA337214.